The following is an entry in ClinVar:

NM_002485.5(NBN):c.1752G>T (p.Glu584Asp)

Gene: NBN (nibrin; minus strand). Cytogenetic location: 8q21.3.
Variant type: single nucleotide variant.
Coding change: c.1752G>T on transcript NM_002485.5 (MANE Select); coding-DNA position 1752, G replaced by T.
Protein change: p.Glu584Asp; replaces glutamic acid 584 with aspartic acid.
Molecular consequence: missense variant.
Genome position (GRCh38, 1-based): chr8:89,953,337, C>A on the plus strand (G>T on the coding strand, the complement: NBN is on the minus strand). VCF-style: chr8-89953337-C-A. GRCh37 (hg19) VCF-style: chr8-90965565-C-A.
Other names: c.1506G>T, p.Glu502Asp (NM_001024688.3); short protein forms E584D, E502D.
Identifiers: ClinVar variation 492101 (VCV000492101.8), dbSNP rs1554558267, ClinGen allele CA371655170.

ClinVar aggregate classification (germline): Uncertain significance (1 of 4 stars; one submission).

Conditions:
Hereditary cancer-predisposing syndrome. Also called: Hereditary neoplastic syndrome; Tumor predisposition; Hereditary Cancer Syndrome; Neoplastic Syndromes, Hereditary. Identifiers: Orphanet 140162, MedGen C0027672, MeSH D009386, MONDO:0015356.

Submission:

Ambry Genetics
Classification: Uncertain significance for Hereditary cancer-predisposing syndrome. Last evaluated: 2025-05-11. Review status: criteria provided, single submitter. Criteria: Ambry Variant Classification Scheme 2023. Collection method: clinical testing. Allele origin: germline.
Comment: The p.E584D variant (also known as c.1752G>T), located in coding exon 11 of the NBN gene, results from a G to T substitution at nucleotide position 1752. The glutamic acid at codon 584 is replaced by aspartic acid, an amino acid with highly similar properties. This amino acid position is conserved. In addition, this alteration is predicted to be tolerated by in silico analysis. Since supporting evidence is limited at this time, the clinical significance of this alteration remains unclear.